The following is an entry in ClinVar:

ClinVar aggregate classification (germline): Uncertain significance (1 of 4 stars; one submission).

Submission:

GeneDx
Classification: Uncertain significance. Last evaluated: 2026-01-27. Review status: criteria provided, single submitter. Criteria: GeneDx Variant Classification Process June 2021. Collection method: clinical testing. Allele origin: germline.
Comment: Not observed at significant frequency in large population cohorts (gnomAD); In silico analysis suggests that this missense variant does not alter protein structure/function; Has not been previously published as pathogenic or benign to our knowledge

NM_014991.6(WDFY3):c.6449A>G (p.Asn2150Ser)

Gene: WDFY3 (WD repeat and FYVE domain containing 3; minus strand). Cytogenetic location: 4q21.23.
Variant type: single nucleotide variant.
Coding change: c.6449A>G on transcript NM_014991.6 (MANE Select); coding-DNA position 6449, A replaced by G.
Protein change: p.Asn2150Ser; replaces asparagine 2150 with serine.
Molecular consequence: missense variant.
Genome position (GRCh38, 1-based): chr4:84,740,202, T>C on the plus strand (A>G on the coding strand, the complement: WDFY3 is on the minus strand). VCF-style: chr4-84740202-T-C. GRCh37 (hg19) VCF-style: chr4-85661355-T-C.
Other names: short protein forms N2150S.
Identifiers: ClinVar variation 3899773 (VCV003899773.2).